The following is an entry in ClinVar:

ClinVar aggregate classification (germline): Uncertain significance (1 of 4 stars; one submission).

Conditions:
Kabuki syndrome 2 (KABUK2). Also called: KDM6A-Related Kabuki Syndrome. Identifiers: Orphanet 2322, MedGen C3275495, MONDO:0010465, OMIM 300867.

Submission:

Labcorp Genetics (formerly Invitae), Labcorp
Classification: Uncertain significance for Kabuki syndrome 2. Last evaluated: 2025-12-24. Review status: criteria provided, single submitter. Criteria: Invitae Variant Classification Sherloc (09022015). Collection method: clinical testing. Allele origin: germline.
Comment: This sequence change falls in intron 20 of the KDM6A gene. It does not directly change the encoded amino acid sequence of the KDM6A protein. It affects a nucleotide within the consensus splice site. This variant is not present in population databases (gnomAD no frequency). This variant has not been reported in the literature in individuals affected with KDM6A-related conditions. Variants that disrupt the consensus splice site are a relatively common cause of aberrant splicing (PMID: 17576681, 9536098). Algorithms developed to predict the effect of sequence changes on RNA splicing suggest that this variant may disrupt the consensus splice site. In summary, the available evidence is currently insufficient to determine the role of this variant in disease. Therefore, it has been classified as a Variant of Uncertain Significance.

Literature cited by the submitters: PubMed 17576681; PubMed 9536098.

NM_001291415.2(KDM6A):c.3300+6T>C

Gene: KDM6A (lysine demethylase 6A; plus strand). Cytogenetic location: Xp11.3.
Variant type: single nucleotide variant.
Coding change: c.3300+6T>C on transcript NM_001291415.2 (MANE Select); 6 bases into the intron after coding-DNA position 3300, T replaced by C.
Molecular consequence: intron variant.
Genome position (GRCh38, 1-based): chrX:45,079,357, T>C. VCF-style: chrX-45079357-T-C. GRCh37 (hg19) VCF-style: chrX-44938602-T-C.
Other names: c.3300+6T>C (NM_001419809.1); c.3198+6T>C (NM_001419810.1, NM_001419813.1); c.3144+6T>C (NM_001419812.1, NM_021140.4); c.3042+6T>C (NM_001419814.1, NM_001410742.1); c.3165+6T>C (NM_001419811.1, NM_001291416.2); c.3009+6T>C (NM_001291417.2); c.2907+6T>C (NM_001419815.1, NM_001291418.2); c.2256+6T>C (NM_001291421.2).
Identifiers: ClinVar variation 4734052 (VCV004734052.1).